The following is an entry in ClinVar:

NM_004260.4(RECQL4):c.2792C>G (p.Pro931Arg)

Gene: RECQL4 (RecQ like helicase 4; minus strand). Cytogenetic location: 8q24.3.
Variant type: single nucleotide variant.
Coding change: c.2792C>G on transcript NM_004260.4 (MANE Select); coding-DNA position 2792, C replaced by G.
Protein change: p.Pro931Arg; replaces proline 931 with arginine.
Molecular consequence: missense variant. On other transcripts: non-coding transcript variant (3).
Genome position (GRCh38, 1-based): chr8:144,512,735, G>C on the plus strand (C>G on the coding strand, the complement: RECQL4 is on the minus strand). VCF-style: chr8-144512735-G-C. GRCh37 (hg19) VCF-style: chr8-145738118-G-C.
Other names: c.2498C>G, p.Pro833Arg (NM_001413017.1); c.2594C>G, p.Pro865Arg (NM_001413018.1); c.2867C>G, p.Pro956Arg (NM_001413019.1); c.2696C>G, p.Pro899Arg (NM_001413020.1); c.1721C>G, p.Pro574Arg (NM_001413021.1, NM_001413022.1, NM_001413024.1 and 4 more transcripts); c.1796C>G, p.Pro599Arg (NM_001413023.1); c.2663C>G, p.Pro888Arg (NM_001413025.1); c.1655C>G, p.Pro552Arg (NM_001413027.1, NM_001413030.1, NM_001413032.1); and 9 more; short protein forms P530R, P552R, P564R, P574R, P865R, P888R, P921R, P508R.
Identifiers: ClinVar variation 3944279 (VCV003944279.1).

ClinVar aggregate classification (germline): Uncertain significance (1 of 4 stars; one submission).

Conditions:
Inborn genetic diseases. Identifiers: MedGen C0950123, MeSH D030342.

gnomAD v4.1: 2 of 1,612,258 alleles (0.00012%); highest among the groups gnomAD compares: South Asian, 0.0011%; no homozygotes.

Submission:

Ambry Genetics
Classification: Uncertain significance for Inborn genetic diseases. Last evaluated: 2025-04-12. Review status: criteria provided, single submitter. Criteria: Ambry Variant Classification Scheme 2023. Collection method: clinical testing. Allele origin: germline.
Comment: The p.P931R variant (also known as c.2792C>G), located in coding exon 16 of the RECQL4 gene, results from a C to G substitution at nucleotide position 2792. The proline at codon 931 is replaced by arginine, an amino acid with dissimilar properties. This amino acid position is conserved. In addition, the in silico prediction for this alteration is inconclusive. Based on the available evidence, the clinical significance of this variant remains unclear.